The following is an entry in ClinVar:

ClinVar aggregate classification (germline): Uncertain significance (1 of 4 stars; one submission).

Submission:

GeneDx
Classification: Uncertain significance. Last evaluated: 2023-08-16. Review status: criteria provided, single submitter. Criteria: GeneDx Variant Classification Process June 2021. Collection method: clinical testing. Allele origin: germline. Affected: yes.
Comment: Not observed at significant frequency in large population cohorts (gnomAD); In silico analysis supports that this missense variant does not alter protein structure/function; Has not been previously published as pathogenic or benign to our knowledge

NM_001394062.1(MACF1):c.4504A>G (p.Ile1502Val)

Gene: MACF1 (microtubule actin crosslinking factor 1; plus strand). Cytogenetic location: 1p34.3.
Variant type: single nucleotide variant.
Coding change: c.4504A>G on transcript NM_001394062.1 (MANE Select); coding-DNA position 4504, A replaced by G.
Protein change: p.Ile1502Val; replaces isoleucine 1502 with valine.
Molecular consequence: missense variant.
Genome position (GRCh38, 1-based): chr1:39,327,243, A>G. VCF-style: chr1-39327243-A-G. GRCh37 (hg19) VCF-style: chr1-39792915-A-G.
Other names: c.4519A>G, p.Ile1507Val (NM_012090.5); short protein forms I1502V, I1507V.
Identifiers: ClinVar variation 2571763 (VCV002571763.3), dbSNP rs2521945534, ClinGen allele CA339743592.
Genomic context (GRCh38, chr1:39,327,243, plus strand): 5'-TTCTCCTAAAAAAGCTTTAATGCTTCATCTTCCAGGCTCTCAGAAAAAGAGAAGAAACAA[A>G]TATCTGAGCAATTGAATGCCCTAAACAAGGCTTACCATGACCTTTGTGATGGTTCTGCAA-3'
Protein context (NP_001380991.1, residues 1492-1512): HKLSEKEKKQ[Ile1502Val]SEQLNALNKA